The following is an entry in ClinVar:

NM_018714.3(COG1):c.828G>T (p.Leu276Phe)

Gene: COG1 (component of oligomeric golgi complex 1; plus strand). Cytogenetic location: 17q25.1.
Variant type: single nucleotide variant.
Coding change: c.828G>T on transcript NM_018714.3 (MANE Select); coding-DNA position 828, G replaced by T.
Protein change: p.Leu276Phe; replaces leucine 276 with phenylalanine.
Molecular consequence: missense variant.
Genome position (GRCh38, 1-based): chr17:73,197,311, G>T. VCF-style: chr17-73197311-G-T. GRCh37 (hg19) VCF-style: chr17-71193450-G-T.
Other names: short protein forms L276F.
Identifiers: ClinVar variation 1388838 (VCV001388838.7), dbSNP rs769317853, ClinGen allele CA8740072.

ClinVar aggregate classification (germline): Uncertain significance. Review status: criteria provided, multiple submitters, no conflicts (2 of 4 stars). 2 submissions from 2 submitters: Uncertain significance (2). Last evaluated 2026-01-12.

Conditions:
COG1 congenital disorder of glycosylation (CDG2G). Also called: CONGENITAL DISORDER OF GLYCOSYLATION, TYPE IIg; CDG IIg; CDGII/COG1 CEREBROCOSTOMANDIBULAR-LIKE SYNDROME. Identifiers: Orphanet 263508, MedGen C2931011, MONDO:0012637, OMIM 611209.

Allele frequency attached by ClinVar (database versions not stated): gnomAD exomes 0.00001; ExAC 0.00002.
gnomAD v4.1: 21 of 1,614,206 alleles (0.0013%); highest among the groups gnomAD compares: Non-Finnish European, 0.0017%; no homozygotes.

Submissions (2):

Labcorp Genetics (formerly Invitae), Labcorp
Classification: Uncertain significance for COG1 congenital disorder of glycosylation. Last evaluated: 2026-01-12. Review status: criteria provided, single submitter. Criteria: Invitae Variant Classification Sherloc (09022015). Collection method: clinical testing. Allele origin: germline.
Comment: This sequence change replaces leucine, which is neutral and non-polar, with phenylalanine, which is neutral and non-polar, at codon 276 of the COG1 protein (p.Leu276Phe). This variant is present in population databases (rs769317853, gnomAD 0.003%). This variant has not been reported in the literature in individuals affected with COG1-related conditions. ClinVar contains an entry for this variant (Variation ID: 1388838). Invitae Evidence Modeling of protein sequence and biophysical properties (such as structural, functional, and spatial information, amino acid conservation, physicochemical variation, residue mobility, and thermodynamic stability) indicates that this missense variant is not expected to disrupt COG1 protein function with a negative predictive value of 80%. Algorithms developed to predict the effect of sequence changes on RNA splicing suggest that this variant may disrupt the consensus splice site. In summary, the available evidence is currently insufficient to determine the role of this variant in disease. Therefore, it has been classified as a Variant of Uncertain Significance.

Daryl Scott Lab, Baylor College of Medicine
Classification: Uncertain significance for COG1 congenital disorder of glycosylation. Last evaluated: 2024-01-01. Review status: criteria provided, single submitter. Criteria: ACMG Guidelines, 2015. Collection method: clinical testing. Allele origin: biparental. Observed: 1 homozygote.
Comment: PM2